The following is an entry in ClinVar:

NM_001110.4(ADAM10):c.-15CAGCGG[3]

Gene: ADAM10 (ADAM metallopeptidase domain 10; minus strand). Cytogenetic location: 15q21.3.
Variant type: Microsatellite.
Coding change: c.-15CAGCGG[3] on transcript NM_001110.4 (MANE Select); three copies in a row of the 6-base unit CAGCGG starting at c.-15; the reference has two copies in a row; one copy, 6 bases duplicated.
Molecular consequence: 5 prime UTR variant.
Genome position (GRCh38, 1-based): chr15:58,749,538-58,749,543, CCGCTG duplicated on the plus strand (CAGCGG on the coding strand, the reverse complement: ADAM10 is on the minus strand); duplicating any 6 consecutive bases within chr15:58,749,538-58,749,553 gives the same sequence; the position shown is the placement nearest the transcript's 3' end. VCF-style (leftmost placement, unchanged base first): chr15-58749537-T-TCCGCTG. GRCh37 (hg19) VCF-style: chr15-59041736-T-TCCGCTG.
Other names: c.-15CAGCGG[3] (NM_001320570.2).
Identifiers: ClinVar variation 3038445 (VCV003038445.2), dbSNP rs571621608, ClinGen allele CA7586244.

ClinVar aggregate classification (germline): Benign (0 of 4 stars; one submission).

Conditions:
ADAM10-related disorder. Also called: ADAM10-related condition.

Submission:

PreventionGenetics, part of Exact Sciences
Classification: Benign for ADAM10-related condition. Last evaluated: 2020-07-09. Review status: no assertion criteria provided. Collection method: clinical testing. Allele origin: germline.
Comment: This variant is classified as benign based on ACMG/AMP sequence variant interpretation guidelines (Richards et al. 2015 PMID: 25741868, with internal and published modifications).